The following is an entry in ClinVar:

ClinVar aggregate classification (germline): Conflicting classifications of pathogenicity. Review status: criteria provided, conflicting classifications (1 of 4 stars). 3 submissions from 3 submitters: Uncertain significance (2); Likely benign (1). Last evaluated 2023-03-23.

Conditions:
Hereditary breast ovarian cancer syndrome. Also called: Hereditary breast and ovarian cancer; Hereditary breast and/or ovarian cancer syndrome; Hereditary breast and ovarian cancer syndrome; Hereditary breast and ovarian cancer syndrome (HBOC); Breast and ovarian cancer; BRCA1- and BRCA2-Associated Hereditary Breast and Ovarian Cancer. Identifiers: Orphanet 145, MedGen C0677776, MeSH D061325, MONDO:0003582. Disease mechanism: loss of function.
Hereditary cancer-predisposing syndrome. Also called: Hereditary neoplastic syndrome; Tumor predisposition; Neoplastic Syndromes, Hereditary; Hereditary Cancer Syndrome. Identifiers: Orphanet 140162, MedGen C0027672, MeSH D009386, MONDO:0015356.

Submissions (3):

University of Washington Department of Laboratory Medicine, University of Washington
Classification: Likely benign for Hereditary cancer-predisposing syndrome. Last evaluated: 2023-03-23. Review status: criteria provided, single submitter. Criteria: Dines et al. (Genet Med. 2020). Collection method: curation. Allele origin: germline.
Comment: Missense variant in a coldspot region where missense variants are very unlikely to be pathogenic (PMID:31911673).

BRCA1 coldspot (exon 11 using historical exon numbering). Reclassification based on statistical prior probability

Ambry Genetics
Classification: Uncertain significance for Hereditary cancer-predisposing syndrome. Last evaluated: 2021-12-31. Review status: criteria provided, single submitter. Criteria: Ambry Variant Classification Scheme 2023. Collection method: clinical testing. Allele origin: germline.
Comment: The p.V525L variant (also known as c.1573G>C), located in coding exon 9 of the BRCA1 gene, results from a G to C substitution at nucleotide position 1573. The valine at codon 525 is replaced by leucine, an amino acid with highly similar properties. This amino acid position is conserved. In addition, the in silico prediction for this alteration is inconclusive. Since supporting evidence is limited at this time, the clinical significance of this alteration remains unclear.

Labcorp Genetics (formerly Invitae), Labcorp
Classification: Uncertain significance for Hereditary breast ovarian cancer syndrome. Last evaluated: 2019-10-27. Review status: criteria provided, single submitter. Criteria: Invitae Variant Classification Sherloc (09022015). Collection method: clinical testing. Allele origin: germline.
Comment: This variant has not been reported in the literature in individuals with BRCA1-related conditions. This sequence change replaces valine with leucine at codon 525 of the BRCA1 protein (p.Val525Leu). The valine residue is moderately conserved and there is a small physicochemical difference between valine and leucine. This variant is not present in population databases (ExAC no frequency). Algorithms developed to predict the effect of missense changes on protein structure and function (SIFT, PolyPhen-2, Align-GVGD) all suggest that this variant is likely to be tolerated, but these predictions have not been confirmed by published functional studies and their clinical significance is uncertain. In summary, the available evidence is currently insufficient to determine the role of this variant in disease. Therefore, it has been classified as a Variant of Uncertain Significance.

NM_007294.4(BRCA1):c.1573G>C (p.Val525Leu)

Gene: BRCA1 (BRCA1 DNA repair associated; minus strand). Cytogenetic location: 17q21.31.
Variant type: single nucleotide variant.
Coding change: c.1573G>C on transcript NM_007294.4 (MANE Select); coding-DNA position 1573, G replaced by C.
Protein change: p.Val525Leu; replaces valine 525 with leucine.
Molecular consequence: missense variant. On other transcripts: intron variant (137).
Genome position (GRCh38, 1-based): chr17:43,093,958, C>G on the plus strand (G>C on the coding strand, the complement: BRCA1 is on the minus strand). VCF-style: chr17-43093958-C-G. GRCh37 (hg19) VCF-style: chr17-41245975-C-G.
Other names: c.685G>C, p.Val229Leu (NM_001407966.1, NM_001407967.1); c.1432G>C, p.Val478Leu (NM_007297.4, NM_001407692.1, NM_001407694.1 and 29 more transcripts); c.1573G>C, p.Val525Leu (NM_007300.4, NM_001407581.1, NM_001407582.1 and 30 more transcripts); c.646+786G>C (NM_001408458.1, NM_001408461.1, NM_001408469.1 and 11 more transcripts); c.577+786G>C (NM_001408480.1, NM_001408481.1, NM_001408492.1 and 9 more transcripts); c.778+786G>C (NM_001408408.1); c.661+786G>C (NM_001408446.1, NM_001408435.1, NM_001408448.1 and 6 more transcripts); c.784+786G>C (NM_001408401.1, NM_001408396.1, NM_001407985.1 and 13 more transcripts); and 40 more; short protein forms V478L, V525L, V357L, V398L, V436L, V437L, V455L, V483L.
Identifiers: ClinVar variation 954894 (VCV000954894.15), dbSNP rs80357273, ClinGen allele CA10598901.